The following is an entry in ClinVar:

ClinVar aggregate classification (germline): Likely benign. Review status: criteria provided, multiple submitters, no conflicts (2 of 4 stars). 3 submissions from 3 submitters: Likely benign (2). 1 of the submissions does not count toward it. Last evaluated 2025-01-01.

Conditions:
CEACAM16-related disorder. Also called: CEACAM16-related condition.

Allele frequency attached by ClinVar (database versions not stated): ExAC 0.00001; gnomAD 0.00001; gnomAD exomes 0.00001; ESP Exome Variant Server 0.00008.
gnomAD v4.1: 26 of 1,613,802 alleles (0.0016%); highest among the groups gnomAD compares: Middle Eastern, 0.066%; no homozygotes.

Submissions (3):

CeGaT Center for Human Genetics Tuebingen
Classification: Likely benign. Last evaluated: 2025-01-01. Review status: criteria provided, single submitter. Criteria: CeGaT Center For Human Genetics Tuebingen Variant Classification Criteria Version 2. Collection method: clinical testing. Allele origin: germline. Affected: yes. Observed: 1 variant allele.
Comment: CEACAM16: BP4, BP7

GeneDx
Classification: Likely benign. Last evaluated: 2019-10-03. Review status: criteria provided, single submitter. Criteria: GeneDx Variant Classification Process June 2021. Collection method: clinical testing. Allele origin: germline. Affected: yes.

PreventionGenetics, part of Exact Sciences
Classification: Likely benign for CEACAM16-related condition. Last evaluated: 2019-02-28. Review status: no assertion criteria provided. Collection method: clinical testing. Allele origin: germline. Not counted in ClinVar's aggregate classification.
Comment: This variant is classified as likely benign based on ACMG/AMP sequence variant interpretation guidelines (Richards et al. 2015 PMID: 25741868, with internal and published modifications).

NM_001039213.4(CEACAM16):c.780C>T (p.Pro260=)

Genes: CEACAM16 (CEA cell adhesion molecule 16, tectorial membrane component; plus strand), CEACAM16-AS1 (CEACAM16, CEACAM19 and PVR antisense RNA 1; minus strand). Cytogenetic location: 19q13.32.
Variant type: single nucleotide variant.
Coding change: c.780C>T on transcript NM_001039213.4 (MANE Select); coding-DNA position 780, C replaced by T.
Protein change: p.Pro260=; no amino-acid change (proline 260 retained).
Molecular consequence: synonymous variant.
Genome position (GRCh38, 1-based): chr19:44,705,708, C>T. VCF-style: chr19-44705708-C-T. GRCh37 (hg19) VCF-style: chr19-45208978-C-T.
Identifiers: ClinVar variation 1200604 (VCV001200604.18), dbSNP rs375711025, ClinGen allele CA9503144.